The following is an entry in ClinVar:

ClinVar aggregate classification (germline): Uncertain significance (1 of 4 stars; one submission).

Conditions:
Emery-Dreifuss muscular dystrophy 5, autosomal dominant (EDMD5). Also called: EMERY-DREIFUSS MUSCULAR DYSTROPHY 5. Identifiers: Orphanet 261, MedGen C2751805, MONDO:0013072, OMIM 612999.

Allele frequency attached by ClinVar (database versions not stated): TOPMed below 0.00001.

Submission:

Labcorp Genetics (formerly Invitae), Labcorp
Classification: Uncertain significance for Emery-Dreifuss muscular dystrophy 5, autosomal dominant. Last evaluated: 2025-08-18. Review status: criteria provided, single submitter. Criteria: Invitae Variant Classification Sherloc (09022015). Collection method: clinical testing. Allele origin: germline.
Comment: This sequence change replaces leucine, which is neutral and non-polar, with arginine, which is basic and polar, at codon 4854 of the SYNE2 protein (p.Leu4854Arg). This variant is not present in population databases (gnomAD no frequency). This variant has not been reported in the literature in individuals affected with SYNE2-related conditions. ClinVar contains an entry for this variant (Variation ID: 3011609). An algorithm developed to predict the effect of missense changes on protein structure and function (PolyPhen-2) suggests that this variant is likely to be disruptive. In summary, the available evidence is currently insufficient to determine the role of this variant in disease. Therefore, it has been classified as a Variant of Uncertain Significance.

NM_182914.3(SYNE2):c.14561T>G (p.Leu4854Arg)

Gene: SYNE2 (spectrin repeat containing nuclear envelope protein 2; plus strand). Cytogenetic location: 14q23.2.
Variant type: single nucleotide variant.
Coding change: c.14561T>G on transcript NM_182914.3 (MANE Select); coding-DNA position 14561, T replaced by G.
Protein change: p.Leu4854Arg; replaces leucine 4854 with arginine.
Molecular consequence: missense variant.
Genome position (GRCh38, 1-based): chr14:64,134,115, T>G. VCF-style: chr14-64134115-T-G. GRCh37 (hg19) VCF-style: chr14-64600833-T-G.
Other names: c.14561T>G, p.Leu4854Arg (NM_015180.6); short protein forms L4854R.
Identifiers: ClinVar variation 3011609 (VCV003011609.3), dbSNP rs1411010530, ClinGen allele CA389985976.